The following is an entry in ClinVar:

ClinVar aggregate classification (germline): Conflicting classifications of pathogenicity. Review status: criteria provided, conflicting classifications (1 of 4 stars). 2 submissions from 2 submitters: Uncertain significance (1); Likely benign (1). Last evaluated 2026-01-09.

Conditions:
Glycine encephalopathy. Also called: Nonketotic hyperglycinemia; Non-ketotic hyperglycinemia. Identifiers: Orphanet 407, MedGen C0751748, MONDO:0011612, HP:0008288.

Allele frequency attached by ClinVar (database versions not stated): gnomAD exomes 0.00001; ExAC 0.00002; gnomAD 0.00002; TOPMed 0.00003; ESP Exome Variant Server 0.00008.
gnomAD v4.1: 13 of 1,613,738 alleles (0.00081%); highest among the groups gnomAD compares: Non-Finnish European, 0.0011%; no homozygotes.

Submissions (2):

Labcorp Genetics (formerly Invitae), Labcorp
Classification: Likely benign for Glycine encephalopathy. Last evaluated: 2026-01-09. Review status: criteria provided, single submitter. Criteria: Invitae Variant Classification Sherloc (09022015). Collection method: clinical testing. Allele origin: germline.

GeneDx
Classification: Uncertain significance. Last evaluated: 2019-06-25. Review status: criteria provided, single submitter. Criteria: GeneDx Variant Classification Process June 2021. Collection method: clinical testing. Allele origin: germline. Affected: yes.
Comment: Not observed at a significant frequency in large population cohorts (Lek et al., 2016); Has not been previously published as pathogenic or benign to our knowledge; In-silico analysis, which includes splice predictors and evolutionary conservation, is inconclusive as to whether the variant alters gene splicing. In the absence of RNA/functional studies, the actual effect of this sequence change is unknown.

NM_000170.3(GLDC):c.549G>A (p.Val183=)

Gene: GLDC (glycine decarboxylase; minus strand). Cytogenetic location: 9p24.1.
Variant type: single nucleotide variant.
Coding change: c.549G>A on transcript NM_000170.3 (MANE Select); coding-DNA position 549, G replaced by A.
Protein change: p.Val183=; no amino-acid change (valine 183 retained).
Molecular consequence: synonymous variant.
Genome position (GRCh38, 1-based): chr9:6,610,278, C>T on the plus strand (G>A on the coding strand, the complement: GLDC is on the minus strand). VCF-style: chr9-6610278-C-T. GRCh37 (hg19) VCF-style: chr9-6610278-C-T.
Identifiers: ClinVar variation 1091732 (VCV001091732.10), dbSNP rs371771891, ClinGen allele CA4981094.
Genomic context (GRCh38, chr9:6,610,278, plus strand): 5'-GGCTGCAGTCCCCTCATCCAGCAGGGATGCATTGGCCATGTCCAGGCCTGTGATGTCACA[C>T]ACCATGGTCTGGTAGTTGAGTAAACTCTCCAGCCTCCCCTGAGACACCTCAGGCTGGTAT-3'
Protein context (NP_000161.2, residues 173-193): LESLLNYQTM[Val183=]CDITGLDMAN